The following is an entry in ClinVar:

ClinVar aggregate classification (germline): Likely benign (1 of 4 stars; one submission).

gnomAD v4.1: 2 of 1,543,904 alleles (0.00013%); highest among the groups gnomAD compares: Middle Eastern, 0.017%; no homozygotes.

Submission:

Mayo Clinic Laboratories, Mayo Clinic
Classification: Likely benign. Last evaluated: 2025-03-06. Review status: criteria provided, single submitter. Criteria: ACMG Guidelines, 2015. Collection method: clinical testing. Allele origin: germline. Observed: 1 variant allele.
Comment: BP4, BP7, PM2_supporting

NM_001372.4(DNAH9):c.369G>A (p.Gly123=)

Gene: DNAH9 (dynein axonemal heavy chain 9; plus strand). Cytogenetic location: 17p12.
Variant type: single nucleotide variant.
Coding change: c.369G>A on transcript NM_001372.4 (MANE Select); coding-DNA position 369, G replaced by A.
Protein change: p.Gly123=; no amino-acid change (glycine 123 retained).
Molecular consequence: synonymous variant.
Genome position (GRCh38, 1-based): chr17:11,598,867, G>A. VCF-style: chr17-11598867-G-A. GRCh37 (hg19) VCF-style: chr17-11502184-G-A.
Other names: p.Gly123=.
Identifiers: ClinVar variation 4684189 (VCV004684189.1).